The following is an entry in ClinVar:

ClinVar aggregate classification (germline): Uncertain significance (1 of 4 stars; one submission).

Conditions:
Conotruncal heart malformations (CTHM). Also called: Conotruncal heart malformations, variable. Identifiers: Orphanet 2445, Orphanet 3384, Orphanet 3426, MedGen C1857586, MONDO:0016581, OMIM 217095.

Allele frequency attached by ClinVar (database versions not stated): gnomAD exomes below 0.00001; TOPMed below 0.00001; gnomAD 0.00001.
gnomAD v4.1: 2 of 1,550,540 alleles (0.00013%); highest among the groups gnomAD compares: African/African-American, 0.0014%; no homozygotes.

Submission:

Labcorp Genetics (formerly Invitae), Labcorp
Classification: Uncertain significance for Conotruncal heart malformations. Last evaluated: 2019-05-16. Review status: criteria provided, single submitter. Criteria: Invitae Variant Classification Sherloc (09022015). Collection method: clinical testing. Allele origin: germline.
Comment: This variant has not been reported in the literature in individuals with NKX2-6-related conditions. In summary, the available evidence is currently insufficient to determine the role of this variant in disease. Therefore, it has been classified as a Variant of Uncertain Significance. Algorithms developed to predict the effect of missense changes on protein structure and function (SIFT, PolyPhen-2, Align-GVGD) all suggest that this variant is likely to be disruptive, but these predictions have not been confirmed by published functional studies and their clinical significance is uncertain. This variant is not present in population databases (ExAC no frequency). This sequence change replaces leucine with proline at codon 145 of the NKX2-6 protein (p.Leu145Pro). The leucine residue is highly conserved and there is a moderate physicochemical difference between leucine and proline.

NM_001136271.3(NKX2-6):c.434T>C (p.Leu145Pro)

Gene: NKX2-6 (NK2 homeobox 6; minus strand). Cytogenetic location: 8p21.2.
Variant type: single nucleotide variant.
Coding change: c.434T>C on transcript NM_001136271.3 (MANE Select); coding-DNA position 434, T replaced by C.
Protein change: p.Leu145Pro; replaces leucine 145 with proline.
Molecular consequence: missense variant.
Genome position (GRCh38, 1-based): chr8:23,702,923, A>G on the plus strand (T>C on the coding strand, the complement: NKX2-6 is on the minus strand). VCF-style: chr8-23702923-A-G. GRCh37 (hg19) VCF-style: chr8-23560436-A-G.
Other names: short protein forms L145P.
Identifiers: ClinVar variation 864172 (VCV000864172.6), dbSNP rs1369416257, ClinGen allele CA370603001.